The following is an entry in ClinVar:

ClinVar aggregate classification (germline): Uncertain significance. Review status: criteria provided, multiple submitters, no conflicts (2 of 4 stars). 2 submissions from 2 submitters: Uncertain significance (2). Last evaluated 2025-02-24.

Conditions:
Microcephaly-intellectual disability-sensorineural hearing loss-epilepsy-abnormal muscle tone syndrome (NEDHSB). Also called: NEURODEVELOPMENTAL DISORDER WITH HEARING LOSS, SEIZURES, AND BRAIN ABNORMALITIES. Identifiers: Orphanet 457351, MedGen C4225276, MONDO:0014698, OMIM 616577.

Allele frequency attached by ClinVar (database versions not stated): gnomAD exomes 0.00001 and 0.00003; ExAC 0.00005; TOPMed below 0.00001; gnomAD 0.00001.
gnomAD v4.1: 20 of 1,614,116 alleles (0.0012%); highest among the groups gnomAD compares: Middle Eastern, 0.033%; no homozygotes.

Submissions (2):

Labcorp Genetics (formerly Invitae), Labcorp
Classification: Uncertain significance for Microcephaly-intellectual disability-sensorineural hearing loss-epilepsy-abnormal muscle tone syndrome. Last evaluated: 2025-02-24. Review status: criteria provided, single submitter. Criteria: Invitae Variant Classification Sherloc (09022015). Collection method: clinical testing. Allele origin: germline.
Comment: This sequence change replaces alanine, which is neutral and non-polar, with threonine, which is neutral and polar, at codon 575 of the SPATA5 protein (p.Ala575Thr). This variant is present in population databases (rs757625846, gnomAD 0.02%). This variant has not been reported in the literature in individuals affected with SPATA5-related conditions. ClinVar contains an entry for this variant (Variation ID: 1384660). Invitae Evidence Modeling of protein sequence and biophysical properties (such as structural, functional, and spatial information, amino acid conservation, physicochemical variation, residue mobility, and thermodynamic stability) has been performed for this missense variant. However, the output from this modeling did not meet the statistical confidence thresholds required to predict the impact of this variant on SPATA5 protein function. In summary, the available evidence is currently insufficient to determine the role of this variant in disease. Therefore, it has been classified as a Variant of Uncertain Significance.

Institute of Medical Genetics and Applied Genomics, University Hospital Tübingen
Classification: Uncertain significance for Microcephaly-intellectual disability-sensorineural hearing loss-epilepsy-abnormal muscle tone syndrome. Last evaluated: 2022-11-18. Review status: criteria provided, single submitter. Criteria: ACMG Guidelines, 2015. Collection method: clinical testing. Allele origin: germline. Inheritance: Autosomal recessive inheritance. Affected: yes.

NM_145207.3(AFG2A):c.1723G>A (p.Ala575Thr)

Gene: AFG2A (AAA ATPase AFG2A; plus strand). Cytogenetic location: 4q28.1.
Variant type: single nucleotide variant.
Coding change: c.1723G>A on transcript NM_145207.3 (MANE Select); coding-DNA position 1723, G replaced by A.
Protein change: p.Ala575Thr; replaces alanine 575 with threonine.
Molecular consequence: missense variant.
Genome position (GRCh38, 1-based): chr4:122,979,240, G>A. VCF-style: chr4-122979240-G-A. GRCh37 (hg19) VCF-style: chr4-123900395-G-A.
Other names: c.1720G>A, p.Ala574Thr (NM_001317799.2, NM_001345856.2); short protein forms A575T, A574T.
Identifiers: ClinVar variation 1384660 (VCV001384660.6), dbSNP rs757625846, ClinGen allele CA3070532.